The following is an entry in ClinVar:

ClinVar aggregate classification (germline): Uncertain significance (1 of 4 stars; one submission).

Conditions:
Microcephaly, normal intelligence and immunodeficiency (NBS). Also called: BERLIN BREAKAGE SYNDROME; Nijmegen breakage syndrome; Microcephaly with normal intelligence immunodeficiency and lymphoreticular malignancies; Nonsyndromal microcephaly autosomal recessive with normal intelligence; Seemanova syndrome 2; Ataxia telangiectasia variant V1. Identifiers: Orphanet 647, MedGen C0398791, MONDO:0009623, OMIM 251260.

gnomAD v4.1: 5 of 1,613,612 alleles (0.00031%); highest among the groups gnomAD compares: Non-Finnish European, 0.00042%; no homozygotes.

Submission:

Labcorp Genetics (formerly Invitae), Labcorp
Classification: Uncertain significance for Microcephaly, normal intelligence and immunodeficiency. Last evaluated: 2021-08-31. Review status: criteria provided, single submitter. Criteria: Invitae Variant Classification Sherloc (09022015). Collection method: clinical testing. Allele origin: germline.
Comment: This variant is not present in population databases (ExAC no frequency). This sequence change replaces arginine with proline at codon 714 of the NBN protein (p.Arg714Pro). The arginine residue is weakly conserved and there is a moderate physicochemical difference between arginine and proline. This variant has not been reported in the literature in individuals affected with NBN-related conditions. In summary, the available evidence is currently insufficient to determine the role of this variant in disease. Therefore, it has been classified as a Variant of Uncertain Significance. Algorithms developed to predict the effect of missense changes on protein structure and function are either unavailable or do not agree on the potential impact of this missense change (SIFT: "Tolerated"; PolyPhen-2: "Probably Damaging"; Align-GVGD: "Class C0").

NM_002485.5(NBN):c.2141G>C (p.Arg714Pro)

Gene: NBN (nibrin; minus strand). Cytogenetic location: 8q21.3.
Variant type: single nucleotide variant.
Coding change: c.2141G>C on transcript NM_002485.5 (MANE Select); coding-DNA position 2141, G replaced by C.
Protein change: p.Arg714Pro; replaces arginine 714 with proline.
Molecular consequence: missense variant.
Genome position (GRCh38, 1-based): chr8:89,943,296, C>G on the plus strand (G>C on the coding strand, the complement: NBN is on the minus strand). VCF-style: chr8-89943296-C-G. GRCh37 (hg19) VCF-style: chr8-90955524-C-G.
Other names: c.1895G>C, p.Arg632Pro (NM_001024688.3); short protein forms R632P, R714P.
Identifiers: ClinVar variation 1516582 (VCV001516582.6), dbSNP rs753270166, ClinGen allele CA371675472.